The following is an entry in ClinVar:

NM_004187.5(KDM5C):c.2381_2382del (p.Leu794fs)

Gene: KDM5C (lysine demethylase 5C; minus strand). Cytogenetic location: Xp11.22.
Variant type: Deletion.
Coding change: c.2381_2382del on transcript NM_004187.5 (MANE Select); coding-DNA positions 2381 to 2382, 2 bases deleted (TG; older notation c.2381_2382delTG).
Protein change: p.Leu794fs; shifts the reading frame from leucine 794.
Molecular consequence: frameshift variant. On other transcripts: non-coding transcript variant (3).
Genome position (GRCh38, 1-based): chrX:53,198,624-53,198,625, CA deleted on the plus strand (TG on the coding strand, the reverse complement: KDM5C is on the minus strand). VCF-style (leftmost placement, unchanged base first): chrX-53198623-TCA-T. GRCh37 (hg19) VCF-style: chrX-53227805-TCA-T.
Other names: c.2180_2181del, p.Leu727fs (NM_001146702.2); c.2378_2379del, p.Leu793fs (NM_001282622.3, NM_001353979.2, NM_001353982.2); c.2381_2382del, p.Leu794fs (NM_001353978.3, NM_001353981.2, NM_001353984.2); short protein forms L727fs, L793fs, L794fs.
Identifiers: ClinVar variation 978948 (VCV000978948.2), dbSNP rs2073044253, ClinGen allele CA1139667561.

ClinVar aggregate classification (germline): Pathogenic (1 of 4 stars; one submission).

Conditions:
Intellectual disability. Also called: intellectual disabilities; Intellectual developmental disorder; Intellectual functioning disability. Identifiers: MedGen C3714756, MeSH D008607, MONDO:0001071, HP:0001249.

Submission:

Diagnostic Laboratory, Strasbourg University Hospital
Classification: Pathogenic for Intellectual disability. Last evaluated: 2020-04-20. Review status: criteria provided, single submitter. Criteria: ACMG Guidelines, 2015. Collection method: clinical testing. Allele origin: maternal. Inheritance: X-linked inheritance. Affected: yes. Observed: 1 hemizygote.